The following is an entry in ClinVar:

NM_017838.4(NHP2):c.314A>G (p.Tyr105Cys)

Gene: NHP2 (NHP2 ribonucleoprotein; minus strand). Cytogenetic location: 5q35.3.
Variant type: single nucleotide variant.
Coding change: c.314A>G on transcript NM_017838.4 (MANE Select); coding-DNA position 314, A replaced by G.
Protein change: p.Tyr105Cys; replaces tyrosine 105 with cysteine.
Molecular consequence: missense variant. On other transcripts: intron variant (1).
Genome position (GRCh38, 1-based): chr5:178,150,910, T>C on the plus strand (A>G on the coding strand, the complement: NHP2 is on the minus strand). VCF-style: chr5-178150910-T-C. GRCh37 (hg19) VCF-style: chr5-177577911-T-C.
Other names: c.231-1072A>G (NM_001034833.2); short protein forms Y105C.
Identifiers: ClinVar variation 1056387 (VCV001056387.9), dbSNP rs772671488, ClinGen allele CA3589183.
Genomic context (GRCh38, chr5:178,150,910, plus strand): 5'-CAGTGCTGAGCAAGGTCAGGGGGCCACGTGCTCCTTACCGTCTTAGAGGGGATATAGACA[T>C]AGGGCAAATTTCGGTCCTCACACATGACTGGGAGATGGCAGTATACCTCAATGGGCAGTG-3'
Protein context (NP_060308.1, residues 95-115): PVMCEDRNLP[Tyr105Cys]VYIPSKTDLG

ClinVar aggregate classification (germline): Uncertain significance (1 of 4 stars; one submission).

Conditions:
Dyskeratosis congenita. Identifiers: Orphanet 1775, MedGen C0265965, MONDO:0015780.

Allele frequency attached by ClinVar (database versions not stated): gnomAD exomes below 0.00001 and 0.00001; ExAC 0.00001.

Submission:

Labcorp Genetics (formerly Invitae), Labcorp
Classification: Uncertain significance for Dyskeratosis congenita. Last evaluated: 2022-02-19. Review status: criteria provided, single submitter. Criteria: Invitae Variant Classification Sherloc (09022015). Collection method: clinical testing. Allele origin: germline.
Comment: This variant has not been reported in the literature in individuals affected with NHP2-related conditions. In summary, the available evidence is currently insufficient to determine the role of this variant in disease. Therefore, it has been classified as a Variant of Uncertain Significance. Algorithms developed to predict the effect of missense changes on protein structure and function are either unavailable or do not agree on the potential impact of this missense change (SIFT: "Deleterious"; PolyPhen-2: "Benign"; Align-GVGD: "Class C65"). ClinVar contains an entry for this variant (Variation ID: 1056387). This variant is present in population databases (rs772671488, gnomAD 0.0009%). This sequence change replaces tyrosine, which is neutral and polar, with cysteine, which is neutral and slightly polar, at codon 105 of the NHP2 protein (p.Tyr105Cys).